The following is an entry in ClinVar:

NM_022132.5(MCCC2):c.586T>C (p.Tyr196His)

Gene: MCCC2 (methylcrotonyl-CoA carboxylase subunit 2; plus strand). Cytogenetic location: 5q13.2.
Variant type: single nucleotide variant.
Coding change: c.586T>C on transcript NM_022132.5 (MANE Select); coding-DNA position 586, T replaced by C.
Protein change: p.Tyr196His; replaces tyrosine 196 with histidine.
Molecular consequence: missense variant.
Genome position (GRCh38, 1-based): chr5:71,604,430, T>C. VCF-style: chr5-71604430-T-C. GRCh37 (hg19) VCF-style: chr5-70900257-T-C.
Other names: c.586T>C, p.Tyr196His (NM_001363147.1); short protein forms Y196H.
Identifiers: ClinVar variation 1349098 (VCV001349098.8), dbSNP rs2112329234, ClinGen allele CA360012094.

ClinVar aggregate classification (germline): Likely pathogenic (1 of 4 stars; one submission).

Conditions:
3-methylcrotonyl-CoA carboxylase 2 deficiency. Also called: METHYLCROTONYLGLYCINURIA, TYPE II; 3 alpha methylcrotonyl-CoA carboxylase 2 deficiency; 3 alpha methylcrotonylglycinuria 2; MCC 2 deficiency; Methylcrotonylglycinuria type 2. Identifiers: Orphanet 6, MedGen C1859499, MONDO:0008862, OMIM 210210.

Submission:

Labcorp Genetics (formerly Invitae), Labcorp
Classification: Likely pathogenic for 3-methylcrotonyl-CoA carboxylase 2 deficiency. Last evaluated: 2021-06-09. Review status: criteria provided, single submitter. Criteria: Invitae Variant Classification Sherloc (09022015). Collection method: clinical testing. Allele origin: germline.
Comment: This sequence change replaces tyrosine with histidine at codon 196 of the MCCC2 protein (p.Tyr196His). The tyrosine residue is highly conserved and there is a moderate physicochemical difference between tyrosine and histidine. This variant is not present in population databases (ExAC no frequency). This variant has been observed in individual(s) with clinical features of 3-methylcrotonyl-CoA carboxylase deficiency (Invitae). In at least one individual the data is consistent with the variant being in trans (on the opposite chromosome) from a pathogenic variant. Advanced modeling of protein sequence and biophysical properties (such as structural, functional, and spatial information, amino acid conservation, physicochemical variation, residue mobility, and thermodynamic stability) performed at Invitae indicates that this missense variant is expected to disrupt MCCC2 protein function. In summary, the currently available evidence indicates that the variant is pathogenic, but additional data are needed to prove that conclusively. Therefore, this variant has been classified as Likely Pathogenic.